The following is an entry in ClinVar:

ClinVar aggregate classification (germline): Uncertain significance. Review status: criteria provided, multiple submitters, no conflicts (2 of 4 stars). 2 submissions from 2 submitters: Uncertain significance (2). Last evaluated 2024-11-02.

Conditions:
Hereditary cancer-predisposing syndrome. Also called: Hereditary neoplastic syndrome; Tumor predisposition; Neoplastic Syndromes, Hereditary; Hereditary Cancer Syndrome. Identifiers: Orphanet 140162, MedGen C0027672, MeSH D009386, MONDO:0015356.
Bloom syndrome (BLM). Also called: Bloom-Torre-Machacek syndrome. Identifiers: Orphanet 125, MedGen C0005859, MONDO:0008876, OMIM 210900.

Allele frequency attached by ClinVar (database versions not stated): gnomAD exomes below 0.00001; ExAC 0.00001.
gnomAD v4.1: 2 of 1,614,178 alleles (0.00012%); no homozygotes.

Submissions (2):

Labcorp Genetics (formerly Invitae), Labcorp
Classification: Uncertain significance for Bloom syndrome. Last evaluated: 2024-11-02. Review status: criteria provided, single submitter. Criteria: Invitae Variant Classification Sherloc (09022015). Collection method: clinical testing. Allele origin: germline.
Comment: This sequence change replaces glutamic acid, which is acidic and polar, with lysine, which is basic and polar, at codon 245 of the BLM protein (p.Glu245Lys). This variant is not present in population databases (gnomAD no frequency). This variant has not been reported in the literature in individuals affected with BLM-related conditions. ClinVar contains an entry for this variant (Variation ID: 1503068). An algorithm developed to predict the effect of missense changes on protein structure and function outputs the following: PolyPhen-2: "Benign". The lysine amino acid residue is found in multiple mammalian species, which suggests that this missense change does not adversely affect protein function. In summary, the available evidence is currently insufficient to determine the role of this variant in disease. Therefore, it has been classified as a Variant of Uncertain Significance.

Ambry Genetics
Classification: Uncertain significance for Hereditary cancer-predisposing syndrome. Last evaluated: 2024-03-05. Review status: criteria provided, single submitter. Criteria: Ambry Variant Classification Scheme 2023. Collection method: clinical testing. Allele origin: germline.
Comment: The p.E245K variant (also known as c.733G>A), located in coding exon 2 of the BLM gene, results from a G to A substitution at nucleotide position 733. The glutamic acid at codon 245 is replaced by lysine, an amino acid with similar properties. This amino acid position is conserved. In addition, this alteration is predicted to be tolerated by in silico analysis. Based on the available evidence, the clinical significance of this alteration remains unclear.

NM_000057.4(BLM):c.733G>A (p.Glu245Lys)

Gene: BLM (BLM RecQ like helicase; plus strand). Cytogenetic location: 15q26.1.
Variant type: single nucleotide variant.
Coding change: c.733G>A on transcript NM_000057.4 (MANE Select); coding-DNA position 733, G replaced by A.
Protein change: p.Glu245Lys; replaces glutamic acid 245 with lysine.
Molecular consequence: missense variant. On other transcripts: 5 prime UTR variant (1).
Genome position (GRCh38, 1-based): chr15:90,750,001, G>A. VCF-style: chr15-90750001-G-A. GRCh37 (hg19) VCF-style: chr15-91293231-G-A.
Other names: c.733G>A, p.Glu245Lys (NM_001287246.2, NM_001287247.2); c.-559G>A (NM_001287248.2); c.733G>A (NM_000057.2); short protein forms E245K.
Identifiers: ClinVar variation 1503068 (VCV001503068.8), dbSNP rs772711706, ClinGen allele CA7738342.